The following is an entry in ClinVar:

ClinVar aggregate classification (germline): Uncertain significance (1 of 4 stars; one submission).

Conditions:
Inborn genetic diseases. Identifiers: MedGen C0950123, MeSH D030342.

Allele frequency attached by ClinVar (database versions not stated): gnomAD 0.00002; gnomAD exomes 0.00002; TOPMed 0.00002; ExAC 0.00009.

Submission:

Ambry Genetics
Classification: Uncertain significance for Inborn genetic diseases. Last evaluated: 2017-09-26. Review status: criteria provided, single submitter. Criteria: Ambry Variant Classification Scheme 2023. Collection method: clinical testing. Allele origin: germline.
Comment: The p.R577W variant (also known as c.1729C>T), located in coding exon 14 of the SHANK3 gene, results from a C to T substitution at nucleotide position 1729. The arginine at codon 577 is replaced by tryptophan, an amino acid with dissimilar properties. This amino acid position is highly conserved in available vertebrate species. Since supporting evidence is limited at this time, the clinical significance of this alteration remains unclear.

NM_001372044.2(SHANK3):c.1954C>T (p.Arg652Trp)

Genes: SHANK3 (SH3 and multiple ankyrin repeat domains 3; plus strand), LOC126863188 (CDK7 strongly-dependent group 2 enhancer GRCh37_chr22:51142004-51143203; plus strand). Cytogenetic location: 22q13.33.
Variant type: single nucleotide variant.
Coding change: c.1954C>T on transcript NM_001372044.2 (MANE Select); coding-DNA position 1954, C replaced by T.
Protein change: p.Arg652Trp; replaces arginine 652 with tryptophan.
Molecular consequence: missense variant.
Genome position (GRCh38, 1-based): chr22:50,704,206, C>T. VCF-style: chr22-50704206-C-T. GRCh37 (hg19) VCF-style: chr22-51142634-C-T.
Other names: c.1729C>T, p.Arg577Trp (NM_033517.1); short protein forms R652W, R577W.
Identifiers: ClinVar variation 1778922 (VCV001778922.2), dbSNP rs756586163, ClinGen allele CA10325628.
Genomic context (GRCh38, chr22:50,704,206, plus strand): 5'-TCCCTGCTTTCCTTCATCAGCGATTATGTCATTGATGACAAAGTGGCTGTCCTGCAGAAA[C>T]GGGACCACGAGGGCTTTGGTTTTGTGCTCCGGGGAGCCAAAGGTAATGGGGAGTGGGTGC-3'
Protein context (NP_001358973.1, residues 642-662): IDDKVAVLQK[Arg652Trp]DHEGFGFVLR